The following is an entry in ClinVar:

ClinVar aggregate classification (germline): Likely pathogenic (1 of 4 stars; one submission).

Conditions:
Cardiovascular phenotype. Identifiers: MedGen CN230736.

Allele frequency attached by ClinVar (database versions not stated): gnomAD exomes below 0.00001.

Submission:

Ambry Genetics
Classification: Likely pathogenic for Cardiovascular phenotype. Last evaluated: 2023-10-04. Review status: criteria provided, single submitter. Criteria: Ambry Variant Classification Scheme 2023. Collection method: clinical testing. Allele origin: germline.
Comment: The c.76535delA variant, located in coding exon 185 of the TTN gene, results from a deletion of one nucleotide at nucleotide position 76535, causing a translational frameshift with a predicted alternate stop codon (p.Q25512Rfs*29). This exon is located in the M-band region of the N2-B isoform of the titin protein and is constitutively expressed in TTN transcripts (percent spliced in or PSI 100%). This variant is considered to be rare based on population cohorts in the Genome Aggregation Database (gnomAD). This alteration is expected to result in loss of function by premature protein truncation or nonsense-mediated mRNA decay. While truncating variants in TTN are present in 1-3% of the general population, truncating variants in the M-band have been reported in association with autosomal recessive titinopathies, primarily presenting with skeletal myopathy phenotypes (Ceyhan-Birsoy O et al. Neurology. 2013 Oct 1;81(14):1205-14; De Cid R et al. Neurology. 2015;85(24):2126-35). In addition, regardless of their position, TTN truncating variants encoded in constitutive exons (PSI >90%) have been found to be significantly associated with dilated cardiomyopathy (DCM), though truncating variants in the A-band are the most common cause of DCM (Herman DS et al. N. Engl. J. Med., 2012 Feb;366:619-28; Roberts AM et al. Sci Transl Med, 2015 Jan;7:270ra6; Schafer S et al. Nat. Genet., 2017 01;49:46-53). Based on the majority of available evidence to date, this variant is likely to be pathogenic in association with autosomal recessive titinopathy; however, the clinical significance of this alteration with respect to cardiomyopathy remains unclear.

NM_001267550.2(TTN):c.103730del (p.Gln34577fs)

Genes: TTN (titin; minus strand), TTN-AS1 (TTN antisense RNA 1; plus strand). Cytogenetic location: 2q31.2.
Variant type: Deletion.
Coding change: c.103730del on transcript NM_001267550.2 (MANE Select); coding-DNA position 103730, one base deleted (A; older notation c.103730delA).
Protein change: p.Gln34577fs; shifts the reading frame from glutamine 34577.
Molecular consequence: frameshift variant.
Genome position (GRCh38, 1-based): chr2:178,532,885, T deleted on the plus strand (A on the coding strand, the reverse complement: TTN is on the minus strand). VCF-style (leftmost placement, unchanged base first): chr2-178532884-CT-C. GRCh37 (hg19) VCF-style: chr2-179397611-CT-C.
Other names: c.98807del, p.Gln32936fs (NM_001256850.1); c.76535del, p.Gln25512fs (NM_003319.4); c.96026del, p.Gln32009fs (NM_133378.4); c.76910del, p.Gln25637fs (NM_133432.3); c.77111del, p.Gln25704fs (NM_133437.4); c.76535delA (NM_003319.4); short protein forms Q25512fs, Q25637fs, Q25704fs, Q32009fs, Q32936fs, Q34577fs.
Identifiers: ClinVar variation 3223358 (VCV003223358.1), dbSNP rs2468469410, ClinGen allele CA2662125828.